The following is an entry in ClinVar:

NM_000179.3(MSH6):c.166G>T (p.Gly56Trp)

Gene: MSH6 (mutS homolog 6; plus strand). Cytogenetic location: 2p16.3.
Variant type: single nucleotide variant.
Coding change: c.166G>T on transcript NM_000179.3 (MANE Select); coding-DNA position 166, G replaced by T.
Protein change: p.Gly56Trp; replaces glycine 56 with tryptophan.
Molecular consequence: missense variant. On other transcripts: 5 prime UTR variant (1).
Genome position (GRCh38, 1-based): chr2:47,783,399, G>T. VCF-style: chr2-47783399-G-T. GRCh37 (hg19) VCF-style: chr2-48010538-G-T.
Other names: c.166G>T, p.Gly56Trp (NM_001281492.2); c.-571G>T (NM_001281493.2); short protein forms G56W.
Identifiers: ClinVar variation 579388 (VCV000579388.9), dbSNP rs1254951576, ClinGen allele CA346734983.

ClinVar aggregate classification (germline): Uncertain significance (1 of 4 stars; one submission).

Conditions:
Hereditary nonpolyposis colorectal neoplasms. Identifiers: MedGen C0009405, MeSH D003123.

Allele frequency attached by ClinVar (database versions not stated): TOPMed below 0.00001.
gnomAD v4.1: 1 of 1,568,192 alleles (0.000064%); no homozygotes.

Submission:

Labcorp Genetics (formerly Invitae), Labcorp
Classification: Uncertain significance for Hereditary nonpolyposis colorectal neoplasms. Last evaluated: 2018-02-27. Review status: criteria provided, single submitter. Criteria: Invitae Variant Classification Sherloc (09022015). Collection method: clinical testing. Allele origin: germline.
Comment: In summary, the available evidence is currently insufficient to determine the role of this variant in disease. Therefore, it has been classified as a Variant of Uncertain Significance. Algorithms developed to predict the effect of missense changes on protein structure and function do not agree on the potential impact of this missense change (SIFT: "Deleterious"; PolyPhen-2: "Possibly Damaging"; Align-GVGD: "Class C0"). This variant has not been reported in the literature in individuals with MSH6-related disease. While this variant is not present in population databases, the frequency information is unreliable, as metrics indicate poor data quality at this position in the ExAC database. This sequence change replaces glycine with tryptophan at codon 56 of the MSH6 protein (p.Gly56Trp). The glycine residue is weakly conserved and there is a large physicochemical difference between glycine and tryptophan.